The following is an entry in ClinVar:

ClinVar aggregate classification (germline): Benign (1 of 4 stars; one submission).

Submission:

Women's Health and Genetics/Laboratory Corporation of America, LabCorp
Classification: Benign. Last evaluated: 2024-11-12. Review status: criteria provided, single submitter. Criteria: LabCorp Variant Classification Summary - May 2015. Collection method: clinical testing. Allele origin: germline.
Comment: Variant summary: The variant involves the duplication of exons 1-9 in the TRPM4 gene. A presumed nomenclature of c.(?_-76)_(1150+1_1151-1)dup has been designated for the purposes of this classification. It is assumed to be a tandem duplication in direct orientation (PMIDs: 25640679, 30054569). The exact breakpoint at the 5' end of this variant is unknown, therefore this duplication may extend upstream of the annotated region of this gene. It is predicted to duplicate a segment including the initiation codon, therefore its impact on the encoded protein is unknown. A large duplication variant (size: ~42 kbp) which covers exons 1-9 of the TRPM4 gene (and extends upstream ~26 kbp) was found at a frequency of 0.0013 in 120562 control chromosomes, predominantly at a frequency of 0.0043 within the African or African-American subpopulation in the gnomAD database (Structural Variants v4.1 dataset), including 10 homozygotes. The observed variant frequency within African or African-American control individuals in the gnomAD database is approximately 1700-fold of the estimated maximal expected allele frequency for a pathogenic variant in TRPM4 causing Progressive Familial Heart Block Type 1B phenotype (2.5e-06). To our knowledge, no occurrence of c.(?_-76)_(1150+1_1151-1)dup in individuals affected with Progressive Familial Heart Block Type 1B and no experimental evidence demonstrating its impact on protein function have been reported. ClinVar contains an entry for this variant (Variation ID: 3248462). Based on the evidence outlined above, similar large duplication variants which cover exons 1-9 of the TRPM4 gene (together with a large upstream DNA segment) were classified as benign.

NC_000019.9:g.(?_49661048)_(49675366_49684605)dup

Gene: TRPM4 (transient receptor potential cation channel subfamily M member 4; plus strand). Cytogenetic location: 19q13.33.
Variant type: Duplication.
Identifiers: ClinVar variation 3629682 (VCV003629682.1).